The following is an entry in ClinVar:

NM_182972.3(IRF2BP2):c.1116C>G (p.Ile372Met)

Gene: IRF2BP2 (interferon regulatory factor 2 binding protein 2; minus strand). Cytogenetic location: 1q42.3.
Variant type: single nucleotide variant.
Coding change: c.1116C>G on transcript NM_182972.3 (MANE Select); coding-DNA position 1116, C replaced by G.
Protein change: p.Ile372Met; replaces isoleucine 372 with methionine.
Molecular consequence: missense variant.
Genome position (GRCh38, 1-based): chr1:234,607,785, G>C on the plus strand (C>G on the coding strand, the complement: IRF2BP2 is on the minus strand). VCF-style: chr1-234607785-G-C. GRCh37 (hg19) VCF-style: chr1-234743531-G-C.
Other names: c.1068C>G, p.Ile356Met (NM_001077397.1); short protein forms I356M, I372M.
Identifiers: ClinVar variation 1933733 (VCV001933733.5), dbSNP rs752842286, ClinGen allele CA1461640.

ClinVar aggregate classification (germline): Uncertain significance (1 of 4 stars; one submission).

Allele frequency attached by ClinVar (database versions not stated): TOPMed below 0.00001; gnomAD 0.00001; ExAC 0.00002; gnomAD exomes 0.00002.

Submission:

Labcorp Genetics (formerly Invitae), Labcorp
Classification: Uncertain significance. Last evaluated: 2025-09-22. Review status: criteria provided, single submitter. Criteria: Invitae Variant Classification Sherloc (09022015). Collection method: clinical testing. Allele origin: germline.
Comment: This sequence change replaces isoleucine, which is neutral and non-polar, with methionine, which is neutral and non-polar, at codon 372 of the IRF2BP2 protein (p.Ile372Met). This variant is present in population databases (rs752842286, gnomAD 0.002%). This variant has not been reported in the literature in individuals affected with IRF2BP2-related conditions. ClinVar contains an entry for this variant (Variation ID: 1933733). An algorithm developed to predict the effect of missense changes on protein structure and function (PolyPhen-2) suggests that this variant is likely to be disruptive. In summary, the available evidence is currently insufficient to determine the role of this variant in disease. Therefore, it has been classified as a Variant of Uncertain Significance.